The following is an entry in ClinVar:

ClinVar aggregate classification (germline): Uncertain significance (1 of 4 stars; one submission).

Submission:

Labcorp Genetics (formerly Invitae), Labcorp
Classification: Uncertain significance. Last evaluated: 2023-03-25. Review status: criteria provided, single submitter. Criteria: Invitae Variant Classification Sherloc (09022015). Collection method: clinical testing. Allele origin: germline.
Comment: This sequence change replaces proline, which is neutral and non-polar, with histidine, which is basic and polar, at codon 336 of the GABRB1 protein (p.Pro336His). This variant is not present in population databases (gnomAD no frequency). This variant has not been reported in the literature in individuals affected with GABRB1-related conditions. Advanced modeling of protein sequence and biophysical properties (such as structural, functional, and spatial information, amino acid conservation, physicochemical variation, residue mobility, and thermodynamic stability) performed at Invitae indicates that this missense variant is not expected to disrupt GABRB1 protein function. In summary, the available evidence is currently insufficient to determine the role of this variant in disease. Therefore, it has been classified as a Variant of Uncertain Significance.

NM_000812.4(GABRB1):c.1007C>A (p.Pro336His)

Gene: GABRB1 (gamma-aminobutyric acid type A receptor subunit beta1; plus strand). Cytogenetic location: 4p12.
Variant type: single nucleotide variant.
Coding change: c.1007C>A on transcript NM_000812.4 (MANE Select); coding-DNA position 1007, C replaced by A.
Protein change: p.Pro336His; replaces proline 336 with histidine.
Molecular consequence: missense variant.
Genome position (GRCh38, 1-based): chr4:47,406,853, C>A. VCF-style: chr4-47406853-C-A. GRCh37 (hg19) VCF-style: chr4-47408870-C-A.
Other names: short protein forms P336H.
Identifiers: ClinVar variation 2849296 (VCV002849296.3), dbSNP rs2475468638, ClinGen allele CA356811842.